The following is an entry in ClinVar:

ClinVar aggregate classification (germline): Uncertain significance. Review status: criteria provided, multiple submitters, no conflicts (2 of 4 stars). 2 submissions from 2 submitters: Uncertain significance (2). Last evaluated 2025-05-20.

Conditions:
Short-rib thoracic dysplasia 6 with or without polydactyly (SRTD6). Also called: Majewski Syndrome; POLYDACTYLY WITH NEONATAL CHONDRODYSTROPHY, TYPE II; SHORT-RIB THORACIC DYSPLASIA 6 WITH POLYDACTYLY; SHORT-RIB THORACIC DYSPLASIA 6 WITHOUT POLYDACTYLY; SHORT RIB-POLYDACTYLY SYNDROME, TYPE IIA. Identifiers: MedGen C0024507, MONDO:0009894, OMIM 263520.
Inborn genetic diseases. Identifiers: MedGen C0950123, MeSH D030342.

Allele frequency attached by ClinVar (database versions not stated): TOPMed below 0.00001; gnomAD 0.00001.
gnomAD v4.1: 4 of 1,613,254 alleles (0.00025%); highest among the groups gnomAD compares: Non-Finnish European, 0.00034%; no homozygotes.

Submissions (2):

Ambry Genetics
Classification: Uncertain significance for Inborn genetic diseases. Last evaluated: 2025-05-20. Review status: criteria provided, single submitter. Criteria: Ambry Variant Classification Scheme 2023. Collection method: clinical testing. Allele origin: germline.

Labcorp Genetics (formerly Invitae), Labcorp
Classification: Uncertain significance for Short-rib thoracic dysplasia 6 with or without polydactyly. Last evaluated: 2024-10-07. Review status: criteria provided, single submitter. Criteria: Invitae Variant Classification Sherloc (09022015). Collection method: clinical testing. Allele origin: germline.
Comment: This sequence change replaces proline, which is neutral and non-polar, with glutamine, which is neutral and polar, at codon 434 of the NEK1 protein (p.Pro434Gln). This variant is not present in population databases (gnomAD no frequency). This variant has not been reported in the literature in individuals affected with NEK1-related conditions. ClinVar contains an entry for this variant (Variation ID: 2171132). Invitae Evidence Modeling of protein sequence and biophysical properties (such as structural, functional, and spatial information, amino acid conservation, physicochemical variation, residue mobility, and thermodynamic stability) indicates that this missense variant is not expected to disrupt NEK1 protein function with a negative predictive value of 95%. In summary, the available evidence is currently insufficient to determine the role of this variant in disease. Therefore, it has been classified as a Variant of Uncertain Significance.

NM_001199397.3(NEK1):c.1301C>A (p.Pro434Gln)

Gene: NEK1 (NIMA related kinase 1; minus strand). Cytogenetic location: 4q33.
Variant type: single nucleotide variant.
Coding change: c.1301C>A on transcript NM_001199397.3 (MANE Select); coding-DNA position 1301, C replaced by A.
Protein change: p.Pro434Gln; replaces proline 434 with glutamine.
Molecular consequence: missense variant. On other transcripts: non-coding transcript variant (1).
Genome position (GRCh38, 1-based): chr4:169,556,061, G>T on the plus strand (C>A on the coding strand, the complement: NEK1 is on the minus strand). VCF-style: chr4-169556061-G-T. GRCh37 (hg19) VCF-style: chr4-170477212-G-T.
Other names: c.1301C>A (NM_012224.2); c.1301C>A, p.Pro434Gln (NM_001199398.3, NM_001199400.3, NM_001374418.1 and 2 more transcripts); c.1226C>A, p.Pro409Gln (NM_001199399.3); c.1250C>A, p.Pro417Gln (NM_001374420.1); c.1175C>A, p.Pro392Gln (NM_001374421.1); short protein forms P392Q, P409Q, P434Q, P417Q.
Identifiers: ClinVar variation 2171132 (VCV002171132.5), dbSNP rs1461610990, ClinGen allele CA358734128.